The following is an entry in ClinVar:

NM_001105206.3(LAMA4):c.2267C>T (p.Ala756Val)

Gene: LAMA4 (laminin subunit alpha 4; minus strand). Cytogenetic location: 6q21.
Variant type: single nucleotide variant.
Coding change: c.2267C>T on transcript NM_001105206.3 (MANE Select); coding-DNA position 2267, C replaced by T.
Protein change: p.Ala756Val; replaces alanine 756 with valine.
Molecular consequence: missense variant.
Genome position (GRCh38, 1-based): chr6:112,148,243, G>A on the plus strand (C>T on the coding strand, the complement: LAMA4 is on the minus strand). VCF-style: chr6-112148243-G-A. GRCh37 (hg19) VCF-style: chr6-112469445-G-A.
Other names: c.2246C>T, p.Ala749Val (NM_001105207.3, NM_002290.5); c.2246C>T (NM_002290.3); short protein forms A749V, A756V.
Identifiers: ClinVar variation 956042 (VCV000956042.10), dbSNP rs1780154224, ClinGen allele CA365383589.

ClinVar aggregate classification (germline): Uncertain significance. Review status: criteria provided, multiple submitters, no conflicts (2 of 4 stars). 2 submissions from 2 submitters: Uncertain significance (2). Last evaluated 2024-01-01.

Conditions:
Cardiovascular phenotype. Identifiers: MedGen CN230736.
Dilated cardiomyopathy 1JJ (CMD1JJ). Identifiers: Orphanet 154, MedGen C3808935, MONDO:0014095, OMIM 615235.

gnomAD v4.1: 1 of 1,614,116 alleles (0.000062%); highest among the groups gnomAD compares: South Asian, 0.0011%; no homozygotes.

Submissions (2):

Ambry Genetics
Classification: Uncertain significance for Cardiovascular phenotype. Last evaluated: 2024-01-01. Review status: criteria provided, single submitter. Criteria: Ambry Variant Classification Scheme 2023. Collection method: clinical testing. Allele origin: germline.
Comment: The p.A749V variant (also known as c.2246C>T), located in coding exon 17 of the LAMA4 gene, results from a C to T substitution at nucleotide position 2246. The alanine at codon 749 is replaced by valine, an amino acid with similar properties. This amino acid position is conserved. In addition, this alteration is predicted to be tolerated by in silico analysis. Since supporting evidence is limited at this time, the clinical significance of this alteration remains unclear.

Labcorp Genetics (formerly Invitae), Labcorp
Classification: Uncertain significance for Dilated cardiomyopathy 1JJ. Last evaluated: 2023-08-04. Review status: criteria provided, single submitter. Criteria: Invitae Variant Classification Sherloc (09022015). Collection method: clinical testing. Allele origin: germline.
Comment: This sequence change replaces alanine, which is neutral and non-polar, with valine, which is neutral and non-polar, at codon 749 of the LAMA4 protein (p.Ala749Val). This variant is not present in population databases (gnomAD no frequency). This variant has not been reported in the literature in individuals affected with LAMA4-related conditions. ClinVar contains an entry for this variant (Variation ID: 956042). Algorithms developed to predict the effect of missense changes on protein structure and function output the following: SIFT: "Not Available"; PolyPhen-2: "Benign"; Align-GVGD: "Not Available". The valine amino acid residue is found in multiple mammalian species, which suggests that this missense change does not adversely affect protein function. In summary, the available evidence is currently insufficient to determine the role of this variant in disease. Therefore, it has been classified as a Variant of Uncertain Significance.